The following is an entry in ClinVar:

NM_033026.6(PCLO):c.9581T>C (p.Val3194Ala)

Gene: PCLO (piccolo presynaptic cytomatrix protein; minus strand). Cytogenetic location: 7q21.11.
Variant type: single nucleotide variant.
Coding change: c.9581T>C on transcript NM_033026.6 (MANE Select); coding-DNA position 9581, T replaced by C.
Protein change: p.Val3194Ala; replaces valine 3194 with alanine.
Molecular consequence: missense variant.
Genome position (GRCh38, 1-based): chr7:82,951,007, A>G on the plus strand (T>C on the coding strand, the complement: PCLO is on the minus strand). VCF-style: chr7-82951007-A-G. GRCh37 (hg19) VCF-style: chr7-82580323-A-G.
Other names: c.9581T>C, p.Val3194Ala (NM_014510.3); short protein forms V3194A.
Identifiers: ClinVar variation 1516860 (VCV001516860.8), dbSNP rs1391421913, ClinGen allele CA367908007.

ClinVar aggregate classification (germline): Uncertain significance (1 of 4 stars; one submission).

Allele frequency attached by ClinVar (database versions not stated): gnomAD exomes below 0.00001.
gnomAD v4.1: 2 of 1,613,712 alleles (0.00012%); highest among the groups gnomAD compares: Admixed American, 0.0033%; no homozygotes.

Submission:

Labcorp Genetics (formerly Invitae), Labcorp
Classification: Uncertain significance. Last evaluated: 2022-11-03. Review status: criteria provided, single submitter. Criteria: Invitae Variant Classification Sherloc (09022015). Collection method: clinical testing. Allele origin: germline.
Comment: This variant is present in population databases (no rsID available, gnomAD 0.003%). This sequence change replaces valine, which is neutral and non-polar, with alanine, which is neutral and non-polar, at codon 3194 of the PCLO protein (p.Val3194Ala). This variant has not been reported in the literature in individuals affected with PCLO-related conditions. In summary, the available evidence is currently insufficient to determine the role of this variant in disease. Therefore, it has been classified as a Variant of Uncertain Significance. Algorithms developed to predict the effect of missense changes on protein structure and function are either unavailable or do not agree on the potential impact of this missense change (SIFT: "Tolerated"; PolyPhen-2: "Not Available"; Align-GVGD: "Class C0"). ClinVar contains an entry for this variant (Variation ID: 1516860).